The following is an entry in ClinVar:

NM_000046.5(ARSB):c.1534G>A (p.Val512Met)

Gene: ARSB (arylsulfatase B; minus strand). Cytogenetic location: 5q14.1.
Variant type: single nucleotide variant.
Coding change: c.1534G>A on transcript NM_000046.5 (MANE Select); coding-DNA position 1534, G replaced by A.
Protein change: p.Val512Met; replaces valine 512 with methionine.
Molecular consequence: missense variant.
Genome position (GRCh38, 1-based): chr5:78,780,465, C>T on the plus strand (G>A on the coding strand, the complement: ARSB is on the minus strand). VCF-style: chr5-78780465-C-T. GRCh37 (hg19) VCF-style: chr5-78076288-C-T.
Other names: short protein forms V512M.
Identifiers: ClinVar variation 1301727 (VCV001301727.7), dbSNP rs201928777, ClinGen allele CA3317964.

ClinVar aggregate classification (germline): Uncertain significance. Review status: criteria provided, multiple submitters, no conflicts (2 of 4 stars). 3 submissions from 3 submitters: Uncertain significance (3). Last evaluated 2024-11-05.

Conditions:
Inborn genetic diseases. Identifiers: MedGen C0950123, MeSH D030342.
Mucopolysaccharidosis type 6 (MPS6). Also called: ARSB DEFICIENCY; ARYLSULFATASE B DEFICIENCY; MPS 6; Maroteaux Lamy syndrome; N-ACETYLGALACTOSAMINE-4-SULFATASE DEFICIENCY; MPS VI. Identifiers: Orphanet 583, MedGen C0026709, MONDO:0009661, OMIM 253200.

Allele frequency attached by ClinVar (database versions not stated): gnomAD 0.00006 and 0.00009; gnomAD exomes 0.00006; ExAC 0.00007; 1000 Genomes Project 0.00040; 1000 Genomes Project 30x 0.00047.
gnomAD v4.1: 74 of 1,614,090 alleles (0.0046%); highest among the groups gnomAD compares: Middle Eastern, 0.033%; no homozygotes.

Submissions (3):

Labcorp Genetics (formerly Invitae), Labcorp
Classification: Uncertain significance for Mucopolysaccharidosis type 6. Last evaluated: 2024-11-05. Review status: criteria provided, single submitter. Criteria: Invitae Variant Classification Sherloc (09022015). Collection method: clinical testing. Allele origin: germline.
Comment: This sequence change replaces valine, which is neutral and non-polar, with methionine, which is neutral and non-polar, at codon 512 of the ARSB protein (p.Val512Met). This variant is present in population databases (rs201928777, gnomAD 0.02%). This variant has not been reported in the literature in individuals affected with ARSB-related conditions. ClinVar contains an entry for this variant (Variation ID: 1301727). Invitae Evidence Modeling of protein sequence and biophysical properties (such as structural, functional, and spatial information, amino acid conservation, physicochemical variation, residue mobility, and thermodynamic stability) has been performed for this missense variant. However, the output from this modeling did not meet the statistical confidence thresholds required to predict the impact of this variant on ARSB protein function. In summary, the available evidence is currently insufficient to determine the role of this variant in disease. Therefore, it has been classified as a Variant of Uncertain Significance.

Ambry Genetics
Classification: Uncertain significance for Inborn genetic diseases. Last evaluated: 2024-10-11. Review status: criteria provided, single submitter. Criteria: Ambry Variant Classification Scheme 2023. Collection method: clinical testing. Allele origin: germline.

Dubai Health Genomic Medicine Center, Dubai Health
Classification: Uncertain significance for Mucopolysaccharidosis type 6. Last evaluated: 2020-03-25. Review status: criteria provided, single submitter. Criteria: ACMG Guidelines, 2015. Collection method: clinical testing. Allele origin: germline. Affected: yes.